The following is an entry in ClinVar:

NM_006949.4(STXBP2):c.1247-10C>T

Gene: STXBP2 (syntaxin binding protein 2; plus strand). Cytogenetic location: 19p13.2.
Variant type: single nucleotide variant.
Coding change: c.1247-10C>T on transcript NM_006949.4 (MANE Select); 10 bases into the intron before coding-DNA position 1247, C replaced by T.
Molecular consequence: intron variant.
Genome position (GRCh38, 1-based): chr19:7,645,187, C>T. VCF-style: chr19-7645187-C-T. GRCh37 (hg19) VCF-style: chr19-7710073-C-T.
Other names: p.?; c.1280-10C>T (NM_001272034.2); c.1238-10C>T (NM_001127396.3).
Identifiers: ClinVar variation 260086 (VCV000260086.20), dbSNP rs61407177, ClinGen allele CA9144078.

ClinVar aggregate classification (germline): Benign/Likely benign. Review status: criteria provided, multiple submitters, no conflicts (2 of 4 stars). 7 submissions from 7 submitters: Benign (6); Likely benign (1). Last evaluated 2026-02-04.

Conditions:
Familial hemophagocytic lymphohistiocytosis 5. Also called: STXBP2-Related Familial Hemophagocytic Lymphohistiocytosis (STXBP2-fHLH). Identifiers: Orphanet 540, MedGen C2751293, MONDO:0013135, OMIM 613101.

Allele frequency attached by ClinVar (database versions not stated): ESP Exome Variant Server 0.02657; ExAC 0.03048; gnomAD exomes 0.03945; gnomAD 0.03961 and 0.04087; TOPMed 0.04658; 1000 Genomes Project 0.05232; 1000 Genomes Project 30x 0.05309.
gnomAD v4.1: 19,992 of 1,555,264 alleles (1.3%); highest among the groups gnomAD compares: Admixed American, 15%; 939 homozygotes.

Submissions (7):

Labcorp Genetics (formerly Invitae), Labcorp
Classification: Benign for Familial hemophagocytic lymphohistiocytosis 5. Last evaluated: 2026-02-04. Review status: criteria provided, single submitter. Criteria: Invitae Variant Classification Sherloc (09022015). Collection method: clinical testing. Allele origin: germline.

Blueprint Genetics
Classification: Likely benign. Last evaluated: 2024-11-27. Review status: criteria provided, single submitter. Criteria: ACMG Guidelines, 2015. Collection method: clinical testing. Allele origin: germline.

Unidad de Genómica Garrahan, Hospital de Pediatría Garrahan
Classification: Benign. Last evaluated: 2023-11-12. Review status: criteria provided, single submitter. Criteria: ACMG Guidelines, 2015. Collection method: clinical testing. Allele origin: germline. Affected: no. Observed: 25 variant alleles.
Comment: This variant is classified as Benign based on local population frequency. This variant was detected in 26% of patients studied by a panel of primary immunodeficiencies. Number of patients: 25. Only high quality variants are reported.

Mayo Clinic Laboratories, Mayo Clinic
Classification: Benign. Last evaluated: 2022-09-29. Review status: criteria provided, single submitter. Criteria: ACMG Guidelines, 2015. Collection method: clinical testing. Allele origin: germline. Observed: 94 variant alleles.

Illumina Laboratory Services, Illumina
Classification: Benign for Familial hemophagocytic lymphohistiocytosis 5. Last evaluated: 2018-01-13. Review status: criteria provided, single submitter. Criteria: ICSL Variant Classification Criteria 13 December 2019. Collection method: clinical testing. Allele origin: germline.
Comment: This variant was observed in the ICSL laboratory as part of a predisposition screen in an ostensibly healthy population. It had not been previously curated by ICSL or reported in the Human Gene Mutation Database (HGMD: prior to June 1st, 2018), and was therefore a candidate for classification through an automated scoring system. Utilizing variant allele frequency, disease prevalence and penetrance estimates, and inheritance mode, an automated score was calculated to assess if this variant is too frequent to cause the disease. Based on the score and internal cut-off values, a variant classified as benign is not then subjected to further curation. The score for this variant resulted in a classification of benign for this disease.

Breakthrough Genomics
Classification: Benign. Review status: criteria provided, single submitter. Criteria: ACMG Guidelines, 2015. Collection method: not provided. Allele origin: germline. Inheritance: Autosomal recessive inheritance. Affected: yes.

PreventionGenetics, part of Exact Sciences
Classification: Benign. Review status: criteria provided, single submitter. Criteria: ACMG Guidelines, 2015. Collection method: clinical testing. Allele origin: germline.